The following is an entry in ClinVar:

ClinVar aggregate classification (germline): Uncertain significance. Review status: criteria provided, multiple submitters, no conflicts (2 of 4 stars). 2 submissions from 2 submitters: Uncertain significance (2). Last evaluated 2025-07-28.

Conditions:
Hereditary cancer-predisposing syndrome. Also called: Neoplastic Syndromes, Hereditary; Tumor predisposition; Hereditary neoplastic syndrome; Hereditary Cancer Syndrome. Identifiers: Orphanet 140162, MedGen C0027672, MeSH D009386, MONDO:0015356.
Familial cancer of breast. Also called: BREAST CANCER, FAMILIAL; Hereditary breast cancer; hereditary breast carcinoma. Identifiers: Orphanet 227535, MedGen C0346153, MONDO:0016419, OMIM 114480. Disease mechanism: loss of function.

Allele frequency attached by ClinVar (database versions not stated): gnomAD exomes below 0.00001.
gnomAD v4.1: 1 of 1,614,158 alleles (0.000062%); highest among the groups gnomAD compares: East Asian, 0.0022%; no homozygotes.

Submissions (2):

Labcorp Genetics (formerly Invitae), Labcorp
Classification: Uncertain significance for Familial cancer of breast. Last evaluated: 2025-07-28. Review status: criteria provided, single submitter. Criteria: Invitae Variant Classification Sherloc (09022015). Collection method: clinical testing. Allele origin: germline.
Comment: This sequence change replaces glycine, which is neutral and non-polar, with cysteine, which is neutral and slightly polar, at codon 753 of the BARD1 protein (p.Gly753Cys). This variant is not present in population databases (gnomAD no frequency). This variant has not been reported in the literature in individuals affected with BARD1-related conditions. ClinVar contains an entry for this variant (Variation ID: 1365760). An algorithm developed to predict the effect of missense changes on protein structure and function (PolyPhen-2) suggests that this variant is likely to be disruptive. In summary, the available evidence is currently insufficient to determine the role of this variant in disease. Therefore, it has been classified as a Variant of Uncertain Significance.

Ambry Genetics
Classification: Uncertain significance for Hereditary cancer-predisposing syndrome. Last evaluated: 2022-04-09. Review status: criteria provided, single submitter. Criteria: Ambry Variant Classification Scheme 2023. Collection method: clinical testing. Allele origin: germline.
Comment: The p.G753C variant (also known as c.2257G>T), located in coding exon 11 of the BARD1 gene, results from a G to T substitution at nucleotide position 2257. The glycine at codon 753 is replaced by cysteine, an amino acid with highly dissimilar properties. This amino acid position is conserved. In addition, the in silico prediction for this alteration is inconclusive. Since supporting evidence is limited at this time, the clinical significance of this alteration remains unclear.

NM_000465.4(BARD1):c.2257G>T (p.Gly753Cys)

Gene: BARD1 (BRCA1 associated RING domain 1; minus strand). Cytogenetic location: 2q35.
Variant type: single nucleotide variant.
Coding change: c.2257G>T on transcript NM_000465.4 (MANE Select); coding-DNA position 2257, G replaced by T.
Protein change: p.Gly753Cys; replaces glycine 753 with cysteine.
Molecular consequence: missense variant. On other transcripts: non-coding transcript variant (3).
Genome position (GRCh38, 1-based): chr2:214,728,753, C>A on the plus strand (G>T on the coding strand, the complement: BARD1 is on the minus strand). VCF-style: chr2-214728753-C-A. GRCh37 (hg19) VCF-style: chr2-215593477-C-A.
Other names: c.2200G>T, p.Gly734Cys (NM_001282543.2); c.904G>T, p.Gly302Cys (NM_001282545.2); c.847G>T, p.Gly283Cys (NM_001282548.2); c.718G>T, p.Gly240Cys (NM_001282549.2); short protein forms G240C, G753C, G734C, G283C, G302C.
Identifiers: ClinVar variation 1365760 (VCV001365760.9), dbSNP rs786203405, ClinGen allele CA350449979.